The following is an entry in ClinVar:

NM_024757.5(EHMT1):c.467C>T (p.Pro156Leu)

Gene: EHMT1 (euchromatic histone lysine methyltransferase 1; plus strand). Cytogenetic location: 9q34.3.
Variant type: single nucleotide variant.
Coding change: c.467C>T on transcript NM_024757.5 (MANE Select); coding-DNA position 467, C replaced by T.
Protein change: p.Pro156Leu; replaces proline 156 with leucine.
Molecular consequence: missense variant.
Genome position (GRCh38, 1-based): chr9:137,717,007, C>T. VCF-style: chr9-137717007-C-T. GRCh37 (hg19) VCF-style: chr9-140611459-C-T.
Other names: c.467C>T, p.Pro156Leu (NM_001145527.2, NM_001354263.2, NM_001354611.2); c.374C>T, p.Pro125Leu (NM_001354259.2, NM_001354612.2); short protein forms P156L, P125L.
Identifiers: ClinVar variation 932095 (VCV000932095.8), dbSNP rs1409055029, ClinGen allele CA375765250.

ClinVar aggregate classification (germline): Uncertain significance. Review status: criteria provided, multiple submitters, no conflicts (2 of 4 stars). 2 submissions from 2 submitters: Uncertain significance (2). Last evaluated 2023-05-12.

Conditions:
Kleefstra syndrome 1 (KLEFS1). Identifiers: Orphanet 261494, MedGen C0795833, MONDO:0027407, OMIM 610253.

Allele frequency attached by ClinVar (database versions not stated): gnomAD exomes below 0.00001.
gnomAD v4.1: 1 of 1,607,256 alleles (0.000062%); highest among the groups gnomAD compares: Non-Finnish European, 0.000085%; no homozygotes.

Submissions (2):

Labcorp Genetics (formerly Invitae), Labcorp
Classification: Uncertain significance for Kleefstra syndrome 1. Last evaluated: 2023-05-12. Review status: criteria provided, single submitter. Criteria: Invitae Variant Classification Sherloc (09022015). Collection method: clinical testing. Allele origin: germline.
Comment: In summary, the available evidence is currently insufficient to determine the role of this variant in disease. Therefore, it has been classified as a Variant of Uncertain Significance. An algorithm developed to predict the effect of missense changes on protein structure and function (PolyPhen-2) suggests that this variant is likely to be disruptive. ClinVar contains an entry for this variant (Variation ID: 932095). This variant has not been reported in the literature in individuals affected with EHMT1-related conditions. This variant is present in population databases (no rsID available, gnomAD 0.0009%). This sequence change replaces proline, which is neutral and non-polar, with leucine, which is neutral and non-polar, at codon 156 of the EHMT1 protein (p.Pro156Leu).

Centre for Mendelian Genomics, University Medical Centre Ljubljana
Classification: Uncertain significance for Kleefstra syndrome 1. Last evaluated: 2019-06-21. Review status: criteria provided, single submitter. Criteria: ACMG Guidelines, 2015. Collection method: clinical testing. Allele origin: unknown. Affected: yes.
Comment: This variant was classified as: Uncertain significance. The available evidence on this variant's pathogenicity is insufficient or conflicting. The following ACMG criteria were applied in classifying this variant: PP3.